The following is an entry in ClinVar:

NM_000106.6(CYP2D6):c.1009G>A (p.Asp337Asn)

Gene: CYP2D6 (cytochrome P450 family 2 subfamily D member 6 (gene/pseudogene); minus strand). Cytogenetic location: 22q13.2.
Variant type: single nucleotide variant.
Coding change: c.1009G>A on transcript NM_000106.6 (MANE Select); coding-DNA position 1009, G replaced by A.
Protein change: p.Asp337Asn; replaces aspartic acid 337 with asparagine.
Molecular consequence: missense variant.
Genome position (GRCh38, 1-based): chr22:42,127,611, C>T on the plus strand (G>A on the coding strand, the complement: CYP2D6 is on the minus strand). VCF-style: chr22-42127611-C-T. GRCh37 (hg19) VCF-style: chr22-42523613-C-T.
Other names: c.856G>A, p.Asp286Asn (NM_001025161.3); short protein forms D286N, D337N.
Identifiers: ClinVar variation 2653239 (VCV002653239.24), dbSNP rs78209835, ClinGen allele CA10264689.

ClinVar aggregate classification (germline): Likely benign (1 of 4 stars; one submission).

Allele frequency attached by ClinVar (database versions not stated): 1000 Genomes Project 30x 0.00062; TOPMed 0.00071; 1000 Genomes Project 0.00080; ESP Exome Variant Server 0.00131; gnomAD exomes 0.00244; ExAC 0.00338; gnomAD 0.00401.
gnomAD v4.1: 4,113 of 1,611,490 alleles (0.26%); highest among the groups gnomAD compares: Non-Finnish European, 0.12%; 79 homozygotes.

Submission:

CeGaT Center for Human Genetics Tuebingen
Classification: Likely benign. Last evaluated: 2022-11-01. Review status: criteria provided, single submitter. Criteria: CeGaT Center For Human Genetics Tuebingen Variant Classification Criteria Version 2. Collection method: clinical testing. Allele origin: germline. Affected: yes. Observed: 1 variant allele.
Comment: CYP2D6: BP4, BS2